The following is an entry in ClinVar:

NM_153676.4(USH1C):c.2281-113A>G

Gene: USH1C (USH1 protein network component harmonin; minus strand). Cytogenetic location: 11p15.1.
Variant type: single nucleotide variant.
Coding change: c.2281-113A>G on transcript NM_153676.4 (MANE Select); 113 bases into the intron before coding-DNA position 2281, A replaced by G.
Molecular consequence: intron variant.
Genome position (GRCh38, 1-based): chr11:17,501,263, T>C on the plus strand (A>G on the coding strand, the complement: USH1C is on the minus strand). VCF-style: chr11-17501263-T-C. GRCh37 (hg19) VCF-style: chr11-17522810-T-C.
Other names: c.1324-113A>G (NM_001297764.2); c.1381-113A>G (NM_005709.4).
Identifiers: ClinVar variation 678882 (VCV000678882.2), dbSNP rs2072234, ClinGen allele CA13438238.

ClinVar aggregate classification (germline): Benign. Review status: criteria provided, multiple submitters, no conflicts (2 of 4 stars). 2 submissions from 2 submitters: Benign (2). Last evaluated 2018-06-14.

Allele frequency attached by ClinVar (database versions not stated): gnomAD exomes 0.42055; gnomAD 0.49969 and 0.50335; TOPMed 0.51305; 1000 Genomes Project 0.52196; 1000 Genomes Project 30x 0.52561.
gnomAD v4.1: 455,360 of 1,052,196 alleles (43%); highest among the groups gnomAD compares: African/African-American, 73%; 103,662 homozygotes.

Submissions (2):

GeneDx
Classification: Benign. Last evaluated: 2018-06-14. Review status: criteria provided, single submitter. Criteria: GeneDx Variant Classification (06012015). Collection method: clinical testing. Allele origin: germline. Affected: yes.
Comment: This variant is considered likely benign or benign based on one or more of the following criteria: it is a conservative change, it occurs at a poorly conserved position in the protein, it is predicted to be benign by multiple in silico algorithms, and/or has population frequency not consistent with disease.

Breakthrough Genomics
Classification: Benign. Review status: criteria provided, single submitter. Criteria: ACMG Guidelines, 2015. Collection method: not provided. Allele origin: germline. Inheritance: Autosomal recessive inheritance. Affected: yes.